The following is an entry in ClinVar:

NM_004318.4(ASPH):c.653-1G>A

Gene: ASPH (aspartate beta-hydroxylase; minus strand). Cytogenetic location: 8q12.3.
Variant type: single nucleotide variant.
Coding change: c.653-1G>A on transcript NM_004318.4 (MANE Select); the canonical splice acceptor site of the intron before coding-DNA position 653, G replaced by A.
Molecular consequence: splice acceptor variant. On other transcripts: intron variant (28).
Genome position (GRCh38, 1-based): chr8:61,644,002, C>T on the plus strand (G>A on the coding strand, the complement: ASPH is on the minus strand). VCF-style: chr8-61644002-C-T. GRCh37 (hg19) VCF-style: chr8-62556561-C-T.
Other names: c.322+36966G>A (NM_001413901.1); c.323-24983G>A (NM_001413909.1); c.449-569G>A (NM_001413895.1, NM_001413894.1); c.449-1G>A (NM_001413884.1, NM_001413890.1, NM_001413883.1); c.578-1G>A (NM_001413862.1); c.490+7048G>A (NM_001413900.1, NM_001413898.1); c.524-569G>A (NM_001413886.1, NM_001413882.1, NM_001413888.1 and 2 more transcripts); c.524-1G>A (NM_001413885.1, NM_001413877.1, NM_001413879.1 and 7 more transcripts); and 13 more.
Identifiers: ClinVar variation 4884489 (VCV004884489.1).

ClinVar aggregate classification (germline): Likely pathogenic (1 of 4 stars; one submission).

Conditions:
Facial dysmorphism-lens dislocation-anterior segment abnormalities-spontaneous filtering blebs syndrome. Also called: Facial dysmorphism, lens dislocation, anterior segment abnormalities, and spontaneous filtering blebs; TRABOULSI SYNDROME. Identifiers: Orphanet 412022, MedGen C1832167, MONDO:0011106, OMIM 601552.

gnomAD v4.1: 2 of 1,605,886 alleles (0.00012%); highest among the groups gnomAD compares: South Asian, 0.0022%; no homozygotes.

Submission:

Diagnostics Services (NGS), CSIR - Centre For Cellular And Molecular Biology
Classification: Likely pathogenic for Facial dysmorphism-lens dislocation-anterior segment abnormalities-spontaneous filtering blebs syndrome. Last evaluated: 2026-06-30. Review status: criteria provided, single submitter. Criteria: ACMG Guidelines, 2015. Collection method: clinical testing. Allele origin: germline. Affected: no. Observed: 1 variant allele, 1 heterozygote.